The following is an entry in ClinVar:

NM_015331.3(NCSTN):c.1249A>T (p.Asn417Tyr)

Gene: NCSTN (nicastrin; plus strand). Cytogenetic location: 1q23.2.
Variant type: single nucleotide variant.
Coding change: c.1249A>T on transcript NM_015331.3 (MANE Select); coding-DNA position 1249, A replaced by T.
Protein change: p.Asn417Tyr; replaces asparagine 417 with tyrosine.
Molecular consequence: missense variant.
Genome position (GRCh38, 1-based): chr1:160,354,187, A>T. VCF-style: chr1-160354187-A-T. GRCh37 (hg19) VCF-style: chr1-160323977-A-T.
Other names: c.1189A>T, p.Asn397Tyr (NM_001290184.2); c.835A>T, p.Asn279Tyr (NM_001290186.2); c.1249A>T, p.Asn417Tyr (NM_001349729.2); c.1249A>T (NM_015331.2); short protein forms N279Y, N397Y, N417Y.
Identifiers: ClinVar variation 1170163 (VCV001170163.15), dbSNP rs143039637, ClinGen allele CA1198947.

ClinVar aggregate classification (germline): Benign/Likely benign. Review status: criteria provided, multiple submitters, no conflicts (2 of 4 stars). 6 submissions from 6 submitters: Benign (2); Likely benign (1). 3 of the submissions do not count toward it. Last evaluated 2026-02-01.

Conditions:
Acne inversa, familial, 1. Identifiers: MedGen C4551962, MONDO:0007728, OMIM 142690.
NCSTN-related disorder. Also called: NCSTN-related condition.

Allele frequency attached by ClinVar (database versions not stated): 1000 Genomes Project 30x 0.00078; 1000 Genomes Project 0.00080; ExAC 0.00274; gnomAD exomes 0.00277; ESP Exome Variant Server 0.00361.
gnomAD v4.1: 6,358 of 1,614,072 alleles (0.39%); highest among the groups gnomAD compares: Non-Finnish European, 0.47%; 22 homozygotes.

Submissions (6):

Labcorp Genetics (formerly Invitae), Labcorp
Classification: Benign. Last evaluated: 2026-02-01. Review status: criteria provided, single submitter. Criteria: Invitae Variant Classification Sherloc (09022015). Collection method: clinical testing. Allele origin: germline.

Fulgent Genetics
Classification: Likely benign for Acne inversa, familial, 1. Last evaluated: 2022-02-10. Review status: criteria provided, single submitter. Criteria: ACMG Guidelines, 2015. Collection method: clinical testing. Allele origin: unknown.

Breakthrough Genomics
Classification: Benign. Review status: criteria provided, single submitter. Criteria: ACMG Guidelines, 2015. Collection method: not provided. Allele origin: germline. Inheritance: Autosomal dominant inheritance. Affected: yes.

PreventionGenetics, part of Exact Sciences
Classification: Benign for NCSTN-related condition. Last evaluated: 2019-11-18. Review status: no assertion criteria provided. Collection method: clinical testing. Allele origin: germline. Not counted in ClinVar's aggregate classification.
Comment: This variant is classified as benign based on ACMG/AMP sequence variant interpretation guidelines (Richards et al. 2015 PMID: 25741868, with internal and published modifications).

Clinical Genetics DNA and cytogenetics Diagnostics Lab, Erasmus MC, Erasmus Medical Center
Classification: Likely benign. Review status: no assertion criteria provided. Collection method: clinical testing. Allele origin: germline. Affected: yes. Study: VKGL Data-share Consensus. Not counted in ClinVar's aggregate classification.

Genome Diagnostics Laboratory, University Medical Center Utrecht
Classification: Likely benign. Review status: no assertion criteria provided. Collection method: clinical testing. Allele origin: germline. Affected: yes. Study: VKGL Data-share Consensus. Not counted in ClinVar's aggregate classification.